The following is an entry in ClinVar:

ClinVar aggregate classification (germline): Uncertain significance (1 of 4 stars; one submission).

Submission:

Labcorp Genetics (formerly Invitae), Labcorp
Classification: Uncertain significance. Last evaluated: 2024-11-05. Review status: criteria provided, single submitter. Criteria: Invitae Variant Classification Sherloc (09022015). Collection method: clinical testing. Allele origin: germline.
Comment: This sequence change replaces alanine, which is neutral and non-polar, with threonine, which is neutral and polar, at codon 101 of the SBF1 protein (p.Ala101Thr). This variant is present in population databases (rs770686004, gnomAD 0.003%). This variant has not been reported in the literature in individuals affected with SBF1-related conditions. An algorithm developed to predict the effect of missense changes on protein structure and function outputs the following: PolyPhen-2: "Benign". The threonine amino acid residue is found in multiple mammalian species, which suggests that this missense change does not adversely affect protein function. In summary, the available evidence is currently insufficient to determine the role of this variant in disease. Therefore, it has been classified as a Variant of Uncertain Significance.

NM_002972.4(SBF1):c.301G>A (p.Ala101Thr)

Gene: SBF1 (SET binding factor 1; minus strand). Cytogenetic location: 22q13.33.
Variant type: single nucleotide variant.
Coding change: c.301G>A on transcript NM_002972.4 (MANE Select); coding-DNA position 301, G replaced by A.
Protein change: p.Ala101Thr; replaces alanine 101 with threonine.
Molecular consequence: missense variant.
Genome position (GRCh38, 1-based): chr22:50,467,669, C>T on the plus strand (G>A on the coding strand, the complement: SBF1 is on the minus strand). VCF-style: chr22-50467669-C-T. GRCh37 (hg19) VCF-style: chr22-50906098-C-T.
Other names: c.304G>A, p.Ala102Thr (NM_001365819.1, NM_001410794.1); c.301G>A, p.Ala101Thr (NM_001410795.1); short protein forms A102T, A101T.
Identifiers: ClinVar variation 3668102 (VCV003668102.2).